The following is an entry in ClinVar:

ClinVar aggregate classification (germline): Benign (1 of 4 stars; one submission).

Conditions:
Breast-ovarian cancer, familial, susceptibility to, 3. Also called: RAD51C-Related Breast/Ovarian Cancer. Identifiers: Orphanet 145, MedGen C3150659, MONDO:0013253, OMIM 613399.

Submission:

Myriad Genetics, Inc.
Classification: Benign for Breast-ovarian cancer, familial, susceptibility to, 3. Last evaluated: 2025-02-19. Review status: criteria provided, single submitter. Criteria: Myriad Autosomal Dominant, Autosomal Recessive and X-Linked Classification Criteria (2023). Collection method: clinical testing. Allele origin: unknown.
Comment: This variant is considered benign. This variant is a silent/synonymous amino acid change and it is not expected to impact splicing.

NM_058216.3(RAD51C):c.846A>G (p.Leu282=)

Gene: RAD51C (RAD51 paralog C; plus strand). Cytogenetic location: 17q22.
Variant type: single nucleotide variant.
Coding change: c.846A>G on transcript NM_058216.3 (MANE Select); coding-DNA position 846, A replaced by G.
Protein change: p.Leu282=; no amino-acid change (leucine 282 retained).
Molecular consequence: synonymous variant. On other transcripts: non-coding transcript variant (1).
Genome position (GRCh38, 1-based): chr17:58,720,754, A>G. VCF-style: chr17-58720754-A-G. GRCh37 (hg19) VCF-style: chr17-56798115-A-G.
Identifiers: ClinVar variation 3904018 (VCV003904018.1).